The following is an entry in ClinVar:

NM_014679.5(CEP57):c.557T>C (p.Leu186Pro)

Gene: CEP57 (centrosomal protein 57; plus strand). Cytogenetic location: 11q21.
Variant type: single nucleotide variant.
Coding change: c.557T>C on transcript NM_014679.5 (MANE Select); coding-DNA position 557, T replaced by C.
Protein change: p.Leu186Pro; replaces leucine 186 with proline.
Molecular consequence: missense variant.
Genome position (GRCh38, 1-based): chr11:95,817,839, T>C. VCF-style: chr11-95817839-T-C. GRCh37 (hg19) VCF-style: chr11-95551003-T-C.
Other names: c.530T>C, p.Leu177Pro (NM_001243776.2); c.557T>C, p.Leu186Pro (NM_001243777.2); c.476T>C, p.Leu159Pro (NM_001363604.2); c.557T>C (NM_014679.4); short protein forms L159P, L177P, L186P.
Identifiers: ClinVar variation 3606111 (VCV003606111.3).

ClinVar aggregate classification (germline): Uncertain significance. Review status: criteria provided, multiple submitters, no conflicts (2 of 4 stars). 2 submissions from 2 submitters: Uncertain significance (2). Last evaluated 2024-12-29.

Conditions:
Inborn genetic diseases. Identifiers: MedGen C0950123, MeSH D030342.
Mosaic variegated aneuploidy syndrome 2 (MVA2). Identifiers: Orphanet 1052, MedGen C3279843, MONDO:0013582, OMIM 614114.

Submissions (2):

Ambry Genetics
Classification: Uncertain significance for Inborn genetic diseases. Last evaluated: 2024-12-29. Review status: criteria provided, single submitter. Criteria: Ambry Variant Classification Scheme 2023. Collection method: clinical testing. Allele origin: germline.
Comment: The p.L186P variant (also known as c.557T>C), located in coding exon 5 of the CEP57 gene, results from a T to C substitution at nucleotide position 557. The leucine at codon 186 is replaced by proline, an amino acid with similar properties. This amino acid position is conserved. In addition, this alteration is predicted to be deleterious by in silico analysis. Based on the available evidence, the clinical significance of this variant remains unclear.

Labcorp Genetics (formerly Invitae), Labcorp
Classification: Uncertain significance for Mosaic variegated aneuploidy syndrome 2. Last evaluated: 2024-02-22. Review status: criteria provided, single submitter. Criteria: Invitae Variant Classification Sherloc (09022015). Collection method: clinical testing. Allele origin: germline.
Comment: This sequence change replaces leucine, which is neutral and non-polar, with proline, which is neutral and non-polar, at codon 186 of the CEP57 protein (p.Leu186Pro). This variant is not present in population databases (gnomAD no frequency). This variant has not been reported in the literature in individuals affected with CEP57-related conditions. Advanced modeling of protein sequence and biophysical properties (such as structural, functional, and spatial information, amino acid conservation, physicochemical variation, residue mobility, and thermodynamic stability) performed at Invitae indicates that this missense variant is expected to disrupt CEP57 protein function with a positive predictive value of 80%. In summary, the available evidence is currently insufficient to determine the role of this variant in disease. Therefore, it has been classified as a Variant of Uncertain Significance.